The following is an entry in ClinVar:

ClinVar aggregate classification (germline): Likely benign (1 of 4 stars; one submission).

gnomAD v4.1: 12 of 969,798 alleles (0.0012%); highest among the groups gnomAD compares: African/African-American, 0.0018%; no homozygotes.

Submission:

CeGaT Center for Human Genetics Tuebingen
Classification: Likely benign. Last evaluated: 2025-02-01. Review status: criteria provided, single submitter. Criteria: CeGaT Center For Human Genetics Tuebingen Variant Classification Criteria Version 2. Collection method: clinical testing. Allele origin: germline. Affected: yes. Observed: 1 variant allele.
Comment: ZCCHC2: BP4, BP7

NM_017742.6(ZCCHC2):c.93G>A (p.Ala31=)

Gene: ZCCHC2 (zinc finger CCHC-type containing 2; plus strand). Cytogenetic location: 18q21.33.
Variant type: single nucleotide variant.
Coding change: c.93G>A on transcript NM_017742.6 (MANE Select); coding-DNA position 93, G replaced by A.
Protein change: p.Ala31=; no amino-acid change (alanine 31 retained).
Molecular consequence: synonymous variant. On other transcripts: non-coding transcript variant (1).
Genome position (GRCh38, 1-based): chr18:62,523,517, G>A. VCF-style: chr18-62523517-G-A. GRCh37 (hg19) VCF-style: chr18-60190750-G-A.
Identifiers: ClinVar variation 3772475 (VCV003772475.13).